The following is an entry in ClinVar:

ClinVar aggregate classification (germline): Uncertain significance. Review status: criteria provided, multiple submitters, no conflicts (2 of 4 stars). 4 submissions from 4 submitters: Uncertain significance (3). 1 of the submissions does not count toward it. Last evaluated 2025-12-16.

Conditions:
Familial Mediterranean fever (FMF). Also called: Periodic peritonitis; Benign paroxysmal peritonitis; POLYSEROSITIS, FAMILIAL PAROXYSMAL; POLYSEROSITIS, RECURRENT. Identifiers: Orphanet 342, MedGen C0031069, MONDO:0018088, OMIM 249100. Disease mechanism: gain of function.

Allele frequency attached by ClinVar (database versions not stated): TOPMed 0.00003.
gnomAD v4.1: 7 of 1,614,064 alleles (0.00043%); highest among the groups gnomAD compares: South Asian, 0.0011%; no homozygotes.

Submissions (4):

GeneDx
Classification: Uncertain significance. Last evaluated: 2025-12-16. Review status: criteria provided, single submitter. Criteria: GeneDx Variant Classification Process June 2021. Collection method: clinical testing. Allele origin: germline.
Comment: In silico analysis supports that this missense variant has a deleterious effect on protein structure/function; Has not been previously published as pathogenic or benign to our knowledge; This variant is associated with the following publications: (PMID: 24301775, 29101676, 23031807, 19302049, 35866324, 38482581, Demir2024[CaseReport])

Labcorp Genetics (formerly Invitae), Labcorp
Classification: Uncertain significance for Familial Mediterranean fever. Last evaluated: 2022-08-30. Review status: criteria provided, single submitter. Criteria: Invitae Variant Classification Sherloc (09022015). Collection method: clinical testing. Allele origin: germline.
Comment: This sequence change replaces arginine, which is basic and polar, with serine, which is neutral and polar, at codon 717 of the MEFV protein (p.Arg717Ser). This variant is present in population databases (rs104895192, gnomAD 0.003%). This variant has not been reported in the literature in individuals affected with MEFV-related conditions. ClinVar contains an entry for this variant (Variation ID: 97498). Algorithms developed to predict the effect of missense changes on protein structure and function are either unavailable or do not agree on the potential impact of this missense change (SIFT: "Tolerated"; PolyPhen-2: "Probably Damaging"; Align-GVGD: "Class C0"). In summary, the available evidence is currently insufficient to determine the role of this variant in disease. Therefore, it has been classified as a Variant of Uncertain Significance.

Mendelics
Classification: Uncertain significance for Familial Mediterranean fever. Last evaluated: 2019-05-28. Review status: criteria provided, single submitter. Criteria: Mendelics Assertion Criteria 2017. Collection method: clinical testing. Allele origin: unknown.

Unité médicale des maladies autoinflammatoires, CHRU Montpellier
No classification provided. Condition: Familial Mediterranean fever. Review status: no classification provided. Collection method: not provided. Allele origin: unknown. Not counted in ClinVar's aggregate classification.

NM_000243.3(MEFV):c.2149C>A (p.Arg717Ser)

Genes: MEFV (MEFV innate immunity regulator, pyrin; minus strand), LOC126862264 (CDK7 strongly-dependent group 2 enhancer GRCh37_chr16:3293322-3294521; plus strand). Cytogenetic location: 16p13.3.
Variant type: single nucleotide variant.
Coding change: c.2149C>A on transcript NM_000243.3 (MANE Select); coding-DNA position 2149, C replaced by A.
Protein change: p.Arg717Ser; replaces arginine 717 with serine.
Molecular consequence: missense variant. On other transcripts: 3 prime UTR variant (1).
Genome position (GRCh38, 1-based): chr16:3,243,338, G>T on the plus strand (C>A on the coding strand, the complement: MEFV is on the minus strand). VCF-style: chr16-3243338-G-T. GRCh37 (hg19) VCF-style: chr16-3293338-G-T.
Other names: c.2149C>A (NM_000243.2); c.*353C>A (NM_001198536.2); short protein forms R717S.
Identifiers: ClinVar variation 97498 (VCV000097498.6), dbSNP rs104895192, ClinGen allele CA280536.